The following is an entry in ClinVar:

ClinVar aggregate classification (germline): Conflicting classifications of pathogenicity. Review status: criteria provided, conflicting classifications (1 of 4 stars). 5 submissions from 3 submitters: Uncertain significance (3); Benign (2). Last evaluated 2025-11-12.

Conditions:
Paroxysmal extreme pain disorder (PEXPD). Also called: PAIN, SUBMANDIBULAR, OCULAR, AND RECTAL, WITH FLUSHING; RECTAL PAIN, FAMILIAL; SCN9A Paroxysmal Extreme Pain Disorder (SCN9A-PEPD). Identifiers: Orphanet 46348, MedGen C1833661, MONDO:0008179, OMIM 167400.
Neuropathy, hereditary sensory and autonomic, type 2A (HSAN2A). Also called: MORVAN DISEASE; NEUROPATHY, CONGENITAL SENSORY; NEUROPATHY, HEREDITARY SENSORY RADICULAR, AUTOSOMAL RECESSIVE; NEUROPATHY, HEREDITARY SENSORY, TYPE IIA; NEUROPATHY, PROGRESSIVE SENSORY, OF CHILDREN; HSAN IIA. Identifiers: Orphanet 970, MedGen C2752089, MONDO:0024309, OMIM 201300.
Generalized epilepsy with febrile seizures plus, type 7 (GEFSP7). Also called: GEFS+, TYPE 7. Identifiers: Orphanet 36387, MedGen C2751778, MONDO:0013470, OMIM 613863.
Channelopathy-associated congenital insensitivity to pain, autosomal recessive. Also called: Insensitivity to pain, channelopathy-associated; ASYMBOLIA FOR PAIN; CONGENITAL ANALGESIA, AUTOSOMAL RECESSIVE. Identifiers: Orphanet 88642, Orphanet 970, MedGen C1855739, MONDO:0009459, OMIM 243000.
Primary erythromelalgia. Also called: SCN9A Erythromelalgia (SCN9A-EM); primary erythermalgia. Identifiers: Orphanet 306577, Orphanet 90026, MedGen C0014805, MONDO:0007571, OMIM 133020.

Allele frequency attached by ClinVar (database versions not stated): gnomAD 0.00001 and 0.00003; ExAC 0.00004; TOPMed 0.00006; ESP Exome Variant Server 0.00008; 1000 Genomes Project 0.00020; 1000 Genomes Project 30x 0.00031.
gnomAD v4.1: 32 of 1,613,124 alleles (0.002%); highest among the groups gnomAD compares: Admixed American, 0.018%; no homozygotes.

Submissions (5):

Labcorp Genetics (formerly Invitae), Labcorp
Classification: Uncertain significance for Neuropathy, hereditary sensory and autonomic, type 2A; Generalized epilepsy with febrile seizures plus, type 7. Last evaluated: 2025-11-12. Review status: criteria provided, single submitter. Criteria: Invitae Variant Classification Sherloc (09022015). Collection method: clinical testing. Allele origin: germline.
Comment: This sequence change replaces methionine, which is neutral and non-polar, with threonine, which is neutral and polar, at codon 403 of the SCN9A protein (p.Met403Thr). This variant is present in population databases (rs199986805, gnomAD 0.03%). This variant has not been reported in the literature in individuals affected with SCN9A-related conditions. ClinVar contains an entry for this variant (Variation ID: 331992). Invitae Evidence Modeling of protein sequence and biophysical properties (such as structural, functional, and spatial information, amino acid conservation, physicochemical variation, residue mobility, and thermodynamic stability) has been performed for this missense variant. However, the output from this modeling did not meet the statistical confidence thresholds required to predict the impact of this variant on SCN9A protein function. In summary, the available evidence is currently insufficient to determine the role of this variant in disease. Therefore, it has been classified as a Variant of Uncertain Significance.

GeneDx
Classification: Uncertain significance. Last evaluated: 2023-04-24. Review status: criteria provided, single submitter. Criteria: GeneDx Variant Classification Process June 2021. Collection method: clinical testing. Allele origin: germline. Affected: yes.
Comment: In silico analysis supports that this missense variant has a deleterious effect on protein structure/function; Has not been previously published as pathogenic or benign to our knowledge

Illumina Laboratory Services, Illumina
Classification: Benign for Paroxysmal extreme pain disorder. Last evaluated: 2018-01-13. Review status: criteria provided, single submitter. Criteria: ICSL Variant Classification Criteria 13 December 2019. Collection method: clinical testing. Allele origin: germline.
Comment: This variant was observed in the ICSL laboratory as part of a predisposition screen in an ostensibly healthy population. It had not been previously curated by ICSL or reported in the Human Gene Mutation Database (HGMD: prior to June 1st, 2018), and was therefore a candidate for classification through an automated scoring system. Utilizing variant allele frequency, disease prevalence and penetrance estimates, and inheritance mode, an automated score was calculated to assess if this variant is too frequent to cause the disease. Based on the score and internal cut-off values, a variant classified as benign is not then subjected to further curation. The score for this variant resulted in a classification of benign for this disease.

Illumina Laboratory Services, Illumina
Classification: Uncertain significance for Channelopathy-associated congenital insensitivity to pain, autosomal recessive. Last evaluated: 2018-01-13. Review status: criteria provided, single submitter. Criteria: ICSL Variant Classification Criteria 13 December 2019. Collection method: clinical testing. Allele origin: germline.

Illumina Laboratory Services, Illumina
Classification: Benign for Primary erythromelalgia. Last evaluated: 2018-01-13. Review status: criteria provided, single submitter. Criteria: ICSL Variant Classification Criteria 13 December 2019. Collection method: clinical testing. Allele origin: germline.
Comment: the same text as in the submission from Illumina Laboratory Services, Illumina above.

NM_001365536.1(SCN9A):c.1208T>C (p.Met403Thr)

Genes: SCN1A-AS1 (SCN1A and SCN9A antisense RNA 1; plus strand), SCN9A (sodium voltage-gated channel alpha subunit 9; minus strand). Cytogenetic location: 2q24.3.
Variant type: single nucleotide variant.
Coding change: c.1208T>C on transcript NM_001365536.1 (MANE Select); coding-DNA position 1208, T replaced by C.
Protein change: p.Met403Thr; replaces methionine 403 with threonine.
Molecular consequence: missense variant.
Genome position (GRCh38, 1-based): chr2:166,288,543, A>G on the plus strand (T>C on the coding strand, the complement: SCN9A is on the minus strand). VCF-style: chr2-166288543-A-G. GRCh37 (hg19) VCF-style: chr2-167145053-A-G.
Other names: c.1208T>C, p.Met403Thr (NM_002977.4); short protein forms M403T.
Identifiers: ClinVar variation 331992 (VCV000331992.16), dbSNP rs199986805, ClinGen allele CA1944567.